The following is an entry in ClinVar:

ClinVar aggregate classification (germline): Uncertain significance (1 of 4 stars; one submission).

Conditions:
PCDH15-related disorder. Also called: PCDH15-related disorders; PCDH15-related condition.

gnomAD v4.1: 1 of 1,613,512 alleles (0.000062%); highest among the groups gnomAD compares: Admixed American, 0.0017%; no homozygotes.

Submission:

PreventionGenetics, part of Exact Sciences
Classification: Uncertain significance for PCDH15-related condition. Last evaluated: 2025-07-15. Review status: criteria provided, single submitter. Criteria: ACMG Guidelines, 2015. Collection method: clinical testing. Allele origin: germline.
Comment: The PCDH15 c.2234A>C variant is predicted to result in the amino acid substitution p.Asp745Ala. To our knowledge, this variant has not been reported in the literature. This variant is present in 0.0029% of alleles in individuals of Latino descent in gnomAD. At this time, the clinical significance of this variant is uncertain due to the absence of conclusive functional and genetic evidence.

NM_001384140.1(PCDH15):c.2234A>C (p.Asp745Ala)

Gene: PCDH15 (protocadherin related 15; minus strand). Cytogenetic location: 10q21.1.
Variant type: single nucleotide variant.
Coding change: c.2234A>C on transcript NM_001384140.1 (MANE Select); coding-DNA position 2234, A replaced by C.
Protein change: p.Asp745Ala; replaces aspartic acid 745 with alanine.
Molecular consequence: missense variant.
Genome position (GRCh38, 1-based): chr10:54,023,184, T>G on the plus strand (A>C on the coding strand, the complement: PCDH15 is on the minus strand). VCF-style: chr10-54023184-T-G. GRCh37 (hg19) VCF-style: chr10-55782944-T-G.
Other names: c.2249A>C, p.Asp750Ala (NM_001142763.2, NM_001142771.2); c.2234A>C, p.Asp745Ala (NM_001142764.2, NM_001142766.2, NM_001142770.3 and 5 more transcripts); c.2021A>C, p.Asp674Ala (NM_001142765.2); c.2123A>C, p.Asp708Ala (NM_001142767.2); c.2168A>C, p.Asp723Ala (NM_001142768.2, NM_001142773.2, NM_001354404.2); c.2270A>C, p.Asp757Ala (NM_001142769.4); c.2255A>C, p.Asp752Ala (NM_001354411.2); short protein forms D723A, D674A, D752A, D757A, D708A, D745A, D750A.
Identifiers: ClinVar variation 4988652 (VCV004988652.1).
Genomic context (GRCh38, chr10:54,023,184, plus strand): 5'-ATACGAAAAAGATTATTAAAGTTACCCAAACTGTAGTGCACTTGACCATTTATTCCAGCA[T>G]CAGGGTCTGTTGCCTATTAAATAAAACAAAAAAACAAAAAAATTCACGTAAGTTTTGACG-3'
Protein context (NP_001371069.1, residues 735-755): FVGQVKATDP[Asp745Ala]AGINGQVHYS